The following is an entry in ClinVar:

ClinVar aggregate classification (germline): Pathogenic/Likely pathogenic. Review status: criteria provided, multiple submitters, no conflicts (2 of 4 stars). 3 submissions from 3 submitters: Pathogenic (1); Likely pathogenic (1). 1 of the submissions does not count toward it. Last evaluated 2024-10-07.

Conditions:
Autosomal recessive nonsyndromic hearing loss 4 (DFNB4). Also called: DEAFNESS, AUTOSOMAL RECESSIVE 4, WITH ENLARGED VESTIBULAR AQUEDUCT, DIGENIC; Deafness, autosomal recessive 4, with enlarged vestibular aqueduct; Enlarged vestibular aqueduct, digenic; Nonsyndromic enlarged vestibular aqueduct (NSEVA); NEUROSENSORY NONSYNDROMIC RECESSIVE DEAFNESS 4; FOXI1-Related Pendred Syndrome. Identifiers: Orphanet 90636, MedGen C3538946, MONDO:0010933, OMIM 600791.
Pendred syndrome (PDS). Also called: Pendred's syndrome; THYROID DYSHORMONOGENESIS 2B; THYROID HORMONOGENESIS, GENETIC DEFECT IN, 2B; Pendred Syndrome (PDS); DEAFNESS WITH GOITER; GOITER-DEAFNESS SYNDROME. Identifiers: Orphanet 705, MedGen C0271829, MONDO:0010134, OMIM 274600.

Submissions (3):

Natera, Inc.
Classification: Likely pathogenic for Pendred syndrome. Last evaluated: 2024-10-07. Review status: criteria provided, single submitter. Criteria: Natera Variant Classification Schema (03/2026). Collection method: clinical testing. Allele origin: germline.
Comment: The c.1985G>A variant in SLC26A4 is a missense variant predicted to cause substitution of cysteine to tyrosine at amino acid 662. This variant is rare in the general population with a frequency below the threshold expected for the associated phenotype(s). This variant has been observed in one or more individuals affected with the associated recessive disease, as either homozygous or compound heterozygous with a second variant (PMID: 33638616, 25372295). Additionally, this variant has been observed to segregate in affected family members (PMID: 33638616). Computational prediction algorithms indicate this variant is likely to affect gene or protein function. Given the available evidence, this variant is classified as Likely Pathogenic.

Women's Health and Genetics/Laboratory Corporation of America, LabCorp
Classification: Pathogenic for Pendred syndrome. Last evaluated: 2024-08-13. Review status: criteria provided, single submitter. Criteria: LabCorp Variant Classification Summary - May 2015. Collection method: clinical testing. Allele origin: germline.
Comment: Variant summary: SLC26A4 c.1985G>A (p.Cys662Tyr) results in a non-conservative amino acid change in the encoded protein sequence. Three of four in-silico tools predict a damaging effect of the variant on protein function. The variant was absent in 251204 control chromosomes (gnomAD). c.1985G>A has been reported in the literature in multiple individuals affected with nonsyndromic hearing loss and enlarged vestibular aqueduct (Yuan_2009, Yuan_2012, Zhao_2014, Tian_2021, Xiao_2021, Wu_2022). These data indicate that the variant is very likely to be associated with disease. At least one publication reports experimental evidence evaluating an impact on protein function, finding that the variant resulted in substantially reduced transport activity (Yuan_2012). The following publications have been ascertained in the context of this evaluation (PMID: 19954013, 23185506, 34170635, 33638616, 35982127, 25372295). ClinVar contains an entry for this variant (Variation ID: 1297073). Based on the evidence outlined above, the variant was classified as pathogenic.

Deafness Molecular Diagnostic Center, Chinese PLA General Hospital
Classification: Pathogenic for Autosomal recessive nonsyndromic hearing loss 4. Review status: no assertion criteria provided. Collection method: case-control. Allele origin: paternal. Affected: yes. Not counted in ClinVar's aggregate classification.

Literature cited by the submitters: PubMed 33638616 (cited by Natera, Inc. and Women's Health and Genetics/Laboratory Corporation of America, LabCorp); PubMed 25372295 (cited by Natera, Inc. and Women's Health and Genetics/Laboratory Corporation of America, LabCorp); PubMed 23185506 (cited by Women's Health and Genetics/Laboratory Corporation of America, LabCorp); PubMed 34170635 (cited by Women's Health and Genetics/Laboratory Corporation of America, LabCorp); PubMed 35982127 (cited by Women's Health and Genetics/Laboratory Corporation of America, LabCorp); PubMed 19954013 (cited by Women's Health and Genetics/Laboratory Corporation of America, LabCorp).

NM_000441.2(SLC26A4):c.1985G>A (p.Cys662Tyr)

Gene: SLC26A4 (solute carrier family 26 member 4; plus strand). Cytogenetic location: 7q22.3.
Variant type: single nucleotide variant.
Coding change: c.1985G>A on transcript NM_000441.2 (MANE Select); coding-DNA position 1985, G replaced by A.
Protein change: p.Cys662Tyr; replaces cysteine 662 with tyrosine.
Molecular consequence: missense variant.
Genome position (GRCh38, 1-based): chr7:107,702,008, G>A. VCF-style: chr7-107702008-G-A. GRCh37 (hg19) VCF-style: chr7-107342453-G-A.
Other names: c.1985G>A (NM_000441.1); short protein forms C662Y.
Identifiers: ClinVar variation 1297073 (VCV001297073.3), dbSNP rs2129318278, ClinGen allele CA368843772.